The following is an entry in ClinVar:

ClinVar aggregate classification (germline): Uncertain significance. Review status: criteria provided, multiple submitters, no conflicts (2 of 4 stars). 2 submissions from 2 submitters: Uncertain significance (2). Last evaluated 2026-01-28.

Conditions:
Hereditary cancer-predisposing syndrome. Also called: Neoplastic Syndromes, Hereditary; Tumor predisposition; Hereditary neoplastic syndrome; Hereditary Cancer Syndrome. Identifiers: Orphanet 140162, MedGen C0027672, MeSH D009386, MONDO:0015356.
Oligodontia-cancer predisposition syndrome. Also called: TOOTH AGENESIS-COLORECTAL CANCER SYNDROME. Identifiers: Orphanet 300576, MedGen C1837750, MONDO:0012075, OMIM 608615. Disease mechanism: loss of function.

Submissions (2):

Labcorp Genetics (formerly Invitae), Labcorp
Classification: Uncertain significance for Oligodontia-cancer predisposition syndrome. Last evaluated: 2026-01-28. Review status: criteria provided, single submitter. Criteria: Invitae Variant Classification Sherloc (09022015). Collection method: clinical testing. Allele origin: germline.
Comment: This sequence change replaces alanine, which is neutral and non-polar, with asparagine, which is neutral and polar, at codon 599 of the AXIN2 protein (p.Ala599Asn). Information on the frequency of this variant in the gnomAD database is not available, as this variant may be reported differently in the database. This variant has not been reported in the literature in individuals affected with AXIN2-related conditions. ClinVar contains an entry for this variant (Variation ID: 566125). An algorithm developed to predict the effect of missense changes on protein structure and function (PolyPhen-2) suggests that this variant is likely to be tolerated. In summary, the available evidence is currently insufficient to determine the role of this variant in disease. Therefore, it has been classified as a Variant of Uncertain Significance.

Ambry Genetics
Classification: Uncertain significance for Hereditary cancer-predisposing syndrome. Last evaluated: 2023-09-11. Review status: criteria provided, single submitter. Criteria: Ambry Variant Classification Scheme 2023. Collection method: clinical testing. Allele origin: germline.
Comment: The c.1795_1796delGCinsAA variant (also known as p.A599N), located in coding exon 6 of the AXIN2 gene, results from an in-frame deletion of GC and insertion of AA at nucleotide positions 1795 to 1796. This results in the substitution of the alanine residue for an asparagine residue at codon 599, an amino acid with dissimilar properties. This amino acid position is not well conserved in available vertebrate species. In addition, this alteration is predicted to be neutral by in silico analysis (Choi Y et al. PLoS ONE. 2012; 7(10):e46688). Since supporting evidence is limited at this time, the clinical significance of this alteration remains unclear.

NM_004655.4(AXIN2):c.1795_1796delinsAA (p.Ala599Asn)

Gene: AXIN2 (axin 2; minus strand). Cytogenetic location: 17q24.1.
Variant type: Indel.
Coding change: c.1795_1796delinsAA on transcript NM_004655.4 (MANE Select); coding-DNA positions 1795 to 1796, GC replaced by AA.
Protein change: p.Ala599Asn; replaces alanine 599 with asparagine.
Molecular consequence: missense variant. On other transcripts: intron variant (1).
Genome position (GRCh38, 1-based): chr17:65,536,980-65,536,981, GC replaced by TT on the plus strand (GC replaced by AA on the coding strand, the reverse complement: AXIN2 is on the minus strand). VCF-style: chr17-65536980-GC-TT. GRCh37 (hg19) VCF-style: chr17-63533098-GC-TT.
Other names: c.1795_1796delinsAA (NM_004655.3); c.1795_1796delGCinsAA (LRG_296t1); c.1712+343_1712+344delinsAA (NM_001363813.1); short protein forms A599N.
Identifiers: ClinVar variation 566125 (VCV000566125.13), dbSNP rs1567754998, ClinGen allele CA891844417.
Genomic context (GRCh38, chr17:65,536,980, plus strand): 5'-ACATCCTGCGACCTGTCTCCTTCCTCCCGGGGAAGCTGCAGGGCCCCAGCTCCGCCGGGG[GC>TT]CCCTCCTTCCCTGGCGGGCAGGGCCAGGCCCGGCTCCGTGCCTTTCCCATTGCGTTTGGG-3'
Protein context (NP_004646.3, residues 589-609): GLALPAREGG[Ala599Asn]PGGAGALQLP